The following is an entry in ClinVar:

NM_000169.3(GLA):c.1202C>G (p.Ser401Ter)

Genes: GLA (galactosidase alpha; minus strand), RPL36A-HNRNPH2 (RPL36A-HNRNPH2 readthrough; plus strand). Cytogenetic location: Xq22.1.
Variant type: single nucleotide variant.
Coding change: c.1202C>G on transcript NM_000169.3 (MANE Select); coding-DNA position 1202, C replaced by G.
Protein change: p.Ser401Ter; replaces serine 401 with a stop codon.
Molecular consequence: nonsense. On other transcripts: non-coding transcript variant (3), intron variant (2).
Genome position (GRCh38, 1-based): chrX:101,397,897, G>C on the plus strand (C>G on the coding strand, the complement: GLA is on the minus strand). VCF-style: chrX-101397897-G-C. GRCh37 (hg19) VCF-style: chrX-100652885-G-C.
Other names: c.1325C>G, p.Ser442Ter (NM_001406747.1); c.300+2440G>C (NM_001199973.2); c.177+6075G>C (NM_001199974.2); short protein forms S401*, S442*.
Identifiers: ClinVar variation 2690609 (VCV002690609.4), dbSNP rs2520849314, ClinGen allele CA413919504.

ClinVar aggregate classification (germline): Pathogenic/Likely pathogenic. Review status: criteria provided, multiple submitters, no conflicts (2 of 4 stars). 2 submissions from 2 submitters: Pathogenic (1); Likely pathogenic (1). Last evaluated 2026-09-08.

Conditions:
Fabry disease. Also called: ALPHA-GALACTOSIDASE A DEFICIENCY; ANDERSON-FABRY DISEASE; CERAMIDE TRIHEXOSIDASE DEFICIENCY; GLA DEFICIENCY; HEREDITARY DYSTOPIC LIPIDOSIS; Fabry's disease. Identifiers: Orphanet 324, MedGen C0002986, MONDO:0010526, OMIM 301500, HP:0001071. Disease mechanism: Fabry disease is due to inactivating mutations in the X-linked GLA gene resulting in deficiency of the enzyme Alpha Galactosidase-A., loss of function.

Submissions (2):

Genomenon, Inc
Classification: Pathogenic for Fabry disease. Last evaluated: 2026-09-08. Review status: criteria provided, single submitter. Criteria: Genomenon Sequence Variant Interpretation Standards - Updated. Collection method: curation. Allele origin: germline. Affected: yes.
Comment: GLA p.Ser401Ter (c.1202C>G) is a nonsense variant that introduces a premature stop codon at amino acid position 401 and is predicted to result in a truncated or absent protein product. This variant has been observed in at least one proband with clinical features consistent with Fabry disease (PMID:12175777). It is absent or not present at a significant frequency in gnomAD. In conclusion, we classify GLA p.Ser401Ter (c.1202C>G) as a pathogenic variant.

Revvity Omics, Revvity
Classification: Likely pathogenic. Last evaluated: 2023-03-03. Review status: criteria provided, single submitter. Criteria: ACMG Guidelines, 2015. Collection method: clinical testing. Allele origin: germline.

Literature cited by the submitters: PubMed 12175777 (cited by Genomenon, Inc).